The following is an entry in ClinVar:

ClinVar aggregate classification (germline): Likely benign (0 of 4 stars; one submission).

Conditions:
PCDHA9-related disorder. Also called: PCDHA9-related condition.

Allele frequency attached by ClinVar (database versions not stated): 1000 Genomes Project 30x 0.00156.
gnomAD v4.1: 225 of 1,598,712 alleles (0.014%); highest among the groups gnomAD compares: African/African-American, 0.22%; 14 homozygotes.

Submission:

PreventionGenetics, part of Exact Sciences
Classification: Likely benign for PCDHA9-related condition. Last evaluated: 2020-09-30. Review status: no assertion criteria provided. Collection method: clinical testing. Allele origin: germline.
Comment: This variant is classified as likely benign based on ACMG/AMP sequence variant interpretation guidelines (Richards et al. 2015 PMID: 25741868, with internal and published modifications).

NM_031857.2(PCDHA9):c.1179C>T (p.Val393=)

Genes: PCDHA1 (protocadherin alpha 1; plus strand), PCDHA2 (protocadherin alpha 2; plus strand), PCDHA3 (protocadherin alpha 3; plus strand), PCDHA4 (protocadherin alpha 4; plus strand), PCDHA5 (protocadherin alpha 5; plus strand) and 5 more. Cytogenetic location: 5q31.3.
Variant type: single nucleotide variant.
Coding change: c.1179C>T on transcript NM_031857.2 (MANE Select); coding-DNA position 1179, C replaced by T.
Protein change: p.Val393=; no amino-acid change (valine 393 retained).
Molecular consequence: synonymous variant. On other transcripts: intron variant (10).
Genome position (GRCh38, 1-based): chr5:140,849,674, C>T. VCF-style: chr5-140849674-C-T. GRCh37 (hg19) VCF-style: chr5-140229259-C-T.
Other names: c.1179C>T, p.Val393= (NM_014005.5); c.2394+60990C>T (NM_018900.4); c.1602+61782C>T (NM_031411.3); c.2388+52322C>T (NM_018905.3); c.2394+46083C>T (NM_018906.3); c.2385+40102C>T (NM_018907.4); c.2352+25547C>T (NM_018908.3); c.2394+19189C>T (NM_018909.4); and 3 more.
Identifiers: ClinVar variation 3052417 (VCV003052417.2), dbSNP rs138948867, ClinGen allele CA3450365.